The following is an entry in ClinVar:

NM_018489.3(ASH1L):c.8570C>A (p.Pro2857His)

Gene: ASH1L (ASH1 like histone lysine methyltransferase; minus strand). Cytogenetic location: 1q22.
Variant type: single nucleotide variant.
Coding change: c.8570C>A on transcript NM_018489.3 (MANE Select); coding-DNA position 8570, C replaced by A.
Protein change: p.Pro2857His; replaces proline 2857 with histidine.
Molecular consequence: missense variant.
Genome position (GRCh38, 1-based): chr1:155,338,322, G>T on the plus strand (C>A on the coding strand, the complement: ASH1L is on the minus strand). VCF-style: chr1-155338322-G-T. GRCh37 (hg19) VCF-style: chr1-155308113-G-T.
Other names: c.8585C>A, p.Pro2862His (NM_001366177.2); short protein forms P2857H, P2862H.
Identifiers: ClinVar variation 3367647 (VCV003367647.1).
Genomic context (GRCh38, chr1:155,338,322, plus strand): 5'-TCCAGGCTGGGTATCTCATTGGCTGCTTGCTCTTGACTGGCTAGAACCTCTTCAATCAAG[G>T]GTAGAGCATCATCCTCCTGGCCCAAGTCTTTTAGGGGTGGCTTTGAGCGCTCAGACTTCC-3'
Protein context (NP_060959.2, residues 2847-2867): KDLGQEDDAL[Pro2857His]LIEEVLASQE

ClinVar aggregate classification (germline): Uncertain significance (1 of 4 stars; one submission).

Submission:

GeneDx
Classification: Uncertain significance. Last evaluated: 2024-03-07. Review status: criteria provided, single submitter. Criteria: GeneDx Variant Classification Process June 2021. Collection method: clinical testing. Allele origin: germline. Affected: yes.
Comment: Not observed at significant frequency in large population cohorts (gnomAD); In silico analysis supports that this missense variant does not alter protein structure/function; Has not been previously published as pathogenic or benign to our knowledge